The following is an entry in ClinVar:

NM_001273.5(CHD4):c.249G>T (p.Gly83=)

Gene: CHD4 (chromodomain helicase DNA binding protein 4; minus strand). Cytogenetic location: 12p13.31.
Variant type: single nucleotide variant.
Coding change: c.249G>T on transcript NM_001273.5 (MANE Select); coding-DNA position 249, G replaced by T.
Protein change: p.Gly83=; no amino-acid change (glycine 83 retained).
Molecular consequence: synonymous variant.
Genome position (GRCh38, 1-based): chr12:6,602,149, C>A on the plus strand (G>T on the coding strand, the complement: CHD4 is on the minus strand). VCF-style: chr12-6602149-C-A. GRCh37 (hg19) VCF-style: chr12-6711315-C-A.
Other names: c.228G>T, p.Gly76= (NM_001297553.2); c.249G>T, p.Gly83= (NM_001363606.2).
Identifiers: ClinVar variation 2642631 (VCV002642631.24), dbSNP rs1948607331, ClinGen allele CA478511923.

ClinVar aggregate classification (germline): Likely benign (1 of 4 stars; one submission).

Allele frequency attached by ClinVar (database versions not stated): gnomAD exomes below 0.00001; TOPMed below 0.00001; gnomAD 0.00001.
gnomAD v4.1: 2 of 1,613,814 alleles (0.00012%); highest among the groups gnomAD compares: Non-Finnish European, 0.00017%; no homozygotes.

Submission:

CeGaT Center for Human Genetics Tuebingen
Classification: Likely benign. Last evaluated: 2022-03-01. Review status: criteria provided, single submitter. Criteria: CeGaT Center For Human Genetics Tuebingen Variant Classification Criteria Version 2. Collection method: clinical testing. Allele origin: germline. Affected: yes. Observed: 1 variant allele.
Comment: CHD4: BP4, BP7